The following is an entry in ClinVar:

NM_199420.4(POLQ):c.7481C>G (p.Thr2494Ser)

Gene: POLQ (DNA polymerase theta; minus strand). Cytogenetic location: 3q13.33.
Variant type: single nucleotide variant.
Coding change: c.7481C>G on transcript NM_199420.4 (MANE Select); coding-DNA position 7481, C replaced by G.
Protein change: p.Thr2494Ser; replaces threonine 2494 with serine.
Molecular consequence: missense variant.
Genome position (GRCh38, 1-based): chr3:121,436,184, G>C on the plus strand (C>G on the coding strand, the complement: POLQ is on the minus strand). VCF-style: chr3-121436184-G-C. GRCh37 (hg19) VCF-style: chr3-121155031-G-C.
Other names: short protein forms T2494S.
Identifiers: ClinVar variation 2624469 (VCV002624469.2), dbSNP rs2546747252, ClinGen allele CA354095834.
Genomic context (GRCh38, chr3:121,436,184, plus strand): 5'-GTTTGGTCACTTTGGAGCATACCCTCTCGATGACCATGGGATTTGAAGGTTGAGTGGAAG[G>C]TCTCTAATTGCTTCTGAATGTTAACTGTGGCTATTTTGACAATATCAGCTGCTGATCCTT-3'
Protein context (NP_955452.3, residues 2484-2504): ATVNIQKQLE[Thr2494Ser]FHSTFKSHGH

ClinVar aggregate classification (germline): Uncertain significance (1 of 4 stars; one submission).

Allele frequency attached by ClinVar (database versions not stated): gnomAD exomes below 0.00001.
gnomAD v4.1: 3 of 1,613,664 alleles (0.00019%); highest among the groups gnomAD compares: Non-Finnish European, 0.00017%; no homozygotes.

Submission:

Ambry Genetics
Classification: Uncertain significance. Last evaluated: 2023-08-26. Review status: criteria provided, single submitter. Criteria: Ambry Variant Classification Scheme 2023. Collection method: clinical testing. Allele origin: germline.
Comment: The p.T2494S variant (also known as c.7481C>G), located in coding exon 28 of the POLQ gene, results from a C to G substitution at nucleotide position 7481. The threonine at codon 2494 is replaced by serine, an amino acid with similar properties. This amino acid position is conserved. In addition, the in silico prediction for this alteration is inconclusive. Since supporting evidence is limited at this time, the clinical significance of this alteration remains unclear.